The following is an entry in ClinVar:

ClinVar aggregate classification (germline): Uncertain significance (1 of 4 stars; one submission).

Conditions:
Ullrich congenital muscular dystrophy 2 (UCMD2). Identifiers: Orphanet 75840, MedGen C4225314, MONDO:0014654, OMIM 616470.
Bethlem myopathy 2 (BTHLM2). Identifiers: Orphanet 536516, Orphanet 610, MedGen C4225313, MONDO:0034022, OMIM 616471.

Submission:

Labcorp Genetics (formerly Invitae), Labcorp
Classification: Uncertain significance for Bethlem myopathy 2; Ullrich congenital muscular dystrophy 2. Last evaluated: 2024-09-05. Review status: criteria provided, single submitter. Criteria: Invitae Variant Classification Sherloc (09022015). Collection method: clinical testing. Allele origin: germline.
Comment: This sequence change replaces alanine, which is neutral and non-polar, with valine, which is neutral and non-polar, at codon 1338 of the COL12A1 protein (p.Ala1338Val). This variant is not present in population databases (gnomAD no frequency). This variant has not been reported in the literature in individuals affected with COL12A1-related conditions. Invitae Evidence Modeling of protein sequence and biophysical properties (such as structural, functional, and spatial information, amino acid conservation, physicochemical variation, residue mobility, and thermodynamic stability) has been performed for this missense variant. However, the output from this modeling did not meet the statistical confidence thresholds required to predict the impact of this variant on COL12A1 protein function. In summary, the available evidence is currently insufficient to determine the role of this variant in disease. Therefore, it has been classified as a Variant of Uncertain Significance.

NM_004370.6(COL12A1):c.4013C>T (p.Ala1338Val)

Gene: COL12A1 (collagen type XII alpha 1 chain; minus strand). Cytogenetic location: 6q13.
Variant type: single nucleotide variant.
Coding change: c.4013C>T on transcript NM_004370.6 (MANE Select); coding-DNA position 4013, C replaced by T.
Protein change: p.Ala1338Val; replaces alanine 1338 with valine.
Molecular consequence: missense variant.
Genome position (GRCh38, 1-based): chr6:75,151,275, G>A on the plus strand (C>T on the coding strand, the complement: COL12A1 is on the minus strand). VCF-style: chr6-75151275-G-A. GRCh37 (hg19) VCF-style: chr6-75860991-G-A.
Other names: c.4013C>T, p.Ala1338Val (NM_001424113.1, NM_001424114.1); c.3740C>T, p.Ala1247Val (NM_001424115.1); c.521C>T, p.Ala174Val (NM_001424116.1, NM_080645.3); short protein forms A1247V, A174V, A1338V.
Identifiers: ClinVar variation 2933832 (VCV002933832.3), dbSNP rs2533394558, ClinGen allele CA364747314.